The following is an entry in ClinVar:

ClinVar aggregate classification (germline): Benign. Review status: criteria provided, multiple submitters, no conflicts (2 of 4 stars). 3 submissions from 3 submitters: Benign (2). 1 of the submissions does not count toward it. Last evaluated 2019-12-31.

Conditions:
DNAH10-related disorder. Also called: DNAH10-related condition.

Allele frequency attached by ClinVar (database versions not stated): TOPMed 0.01530; gnomAD exomes 0.00347 and 0.00558; gnomAD 0.01259 and 0.01355; 1000 Genomes Project 30x 0.01562; ExAC 0.00567; 1000 Genomes Project 0.01318; ESP Exome Variant Server 0.01465.
gnomAD v4.1: 7,216 of 1,614,024 alleles (0.45%); highest among the groups gnomAD compares: African/African-American, 3.7%; 69 homozygotes.

Submissions (3):

Labcorp Genetics (formerly Invitae), Labcorp
Classification: Benign. Last evaluated: 2019-12-31. Review status: criteria provided, single submitter. Criteria: Invitae Variant Classification Sherloc (09022015). Collection method: clinical testing. Allele origin: germline.

Breakthrough Genomics
Classification: Benign. Review status: criteria provided, single submitter. Criteria: ACMG Guidelines, 2015. Collection method: not provided. Allele origin: germline. Inheritance: Autosomal recessive inheritance. Affected: yes.

PreventionGenetics, part of Exact Sciences
Classification: Benign for DNAH10-related condition. Last evaluated: 2024-05-16. Review status: no assertion criteria provided. Collection method: clinical testing. Allele origin: germline. Not counted in ClinVar's aggregate classification.
Comment: This variant is classified as benign based on ACMG/AMP sequence variant interpretation guidelines (Richards et al. 2015 PMID: 25741868, with internal and published modifications).

NM_001372106.1(DNAH10):c.4981G>A (p.Val1661Ile)

Gene: DNAH10 (dynein axonemal heavy chain 10; plus strand). Cytogenetic location: 12q24.31.
Variant type: single nucleotide variant.
Coding change: c.4981G>A on transcript NM_001372106.1 (MANE Select); coding-DNA position 4981, G replaced by A.
Protein change: p.Val1661Ile; replaces valine 1661 with isoleucine.
Molecular consequence: missense variant.
Genome position (GRCh38, 1-based): chr12:123,838,534, G>A. VCF-style: chr12-123838534-G-A. GRCh37 (hg19) VCF-style: chr12-124323081-G-A.
Other names: c.4627G>A, p.Val1543Ile (NM_207437.3); short protein forms V1661I, V1543I.
Identifiers: ClinVar variation 779615 (VCV000779615.6), dbSNP rs60509888, ClinGen allele CA6863721.